The following is an entry in ClinVar:

ClinVar aggregate classification (germline): Uncertain significance. Review status: criteria provided, multiple submitters, no conflicts (2 of 4 stars). 2 submissions from 2 submitters: Uncertain significance (2). Last evaluated 2025-07-27.

Allele frequency attached by ClinVar (database versions not stated): ExAC 0.00004; TOPMed 0.00004; ESP Exome Variant Server 0.00008; gnomAD 0.00004.
gnomAD v4.1: 39 of 1,614,080 alleles (0.0024%); highest among the groups gnomAD compares: Middle Eastern, 0.033%; no homozygotes.

Submissions (2):

Labcorp Genetics (formerly Invitae), Labcorp
Classification: Uncertain significance. Last evaluated: 2025-07-27. Review status: criteria provided, single submitter. Criteria: Invitae Variant Classification Sherloc (09022015). Collection method: clinical testing. Allele origin: germline.
Comment: This sequence change replaces serine, which is neutral and polar, with phenylalanine, which is neutral and non-polar, at codon 1573 of the ANK3 protein (p.Ser1573Phe). This variant is present in population databases (rs201134561, gnomAD 0.005%). This variant has not been reported in the literature in individuals affected with ANK3-related conditions. ClinVar contains an entry for this variant (Variation ID: 2907576). Invitae Evidence Modeling of protein sequence and biophysical properties (such as structural, functional, and spatial information, amino acid conservation, physicochemical variation, residue mobility, and thermodynamic stability) indicates that this missense variant is not expected to disrupt ANK3 protein function with a negative predictive value of 80%. In summary, the available evidence is currently insufficient to determine the role of this variant in disease. Therefore, it has been classified as a Variant of Uncertain Significance.

GeneDx
Classification: Uncertain significance. Last evaluated: 2024-10-10. Review status: criteria provided, single submitter. Criteria: GeneDx Variant Classification Process June 2021. Collection method: clinical testing. Allele origin: germline. Affected: yes.
Comment: In silico analysis supports that this missense variant has a deleterious effect on protein structure/function; Has not been previously published as pathogenic or benign to our knowledge

NM_020987.5(ANK3):c.4718C>T (p.Ser1573Phe)

Gene: ANK3 (ankyrin 3; minus strand). Cytogenetic location: 10q21.2.
Variant type: single nucleotide variant.
Coding change: c.4718C>T on transcript NM_020987.5 (MANE Select); coding-DNA position 4718, C replaced by T.
Protein change: p.Ser1573Phe; replaces serine 1573 with phenylalanine.
Molecular consequence: missense variant. On other transcripts: intron variant (4).
Genome position (GRCh38, 1-based): chr10:60,076,163, G>A on the plus strand (C>T on the coding strand, the complement: ANK3 is on the minus strand). VCF-style: chr10-60076163-G-A. GRCh37 (hg19) VCF-style: chr10-61835921-G-A.
Other names: c.4387+4374C>T (NM_001204403.2); c.4408+4374C>T (NM_001204404.2); c.4405+4374C>T (NM_001320874.2); c.1807+4374C>T (NM_001149.4); c.4718C>T (NM_020987.3); short protein forms S1573F.
Identifiers: ClinVar variation 2907576 (VCV002907576.4), dbSNP rs201134561, ClinGen allele CA5512121.
Genomic context (GRCh38, chr10:60,076,163, plus strand): 5'-TGGATATTGTATGGAGATTGTGACACCACAGTTTTTATCGGCGAAGACATTGTCCGAAAG[G>A]ATCTAATTGGAGATGCCACGTCACTAATGGATTTAACTGAAGATGTAGTTGACGCGCCTA-3'
Protein context (NP_066267.2, residues 1563-1583): SISDVASPIR[Ser1573Phe]FRTMSSPIKT